The following is an entry in ClinVar:

NM_007294.4(BRCA1):c.239G>T (p.Ser80Ile)

Gene: BRCA1 (BRCA1 DNA repair associated; minus strand). Cytogenetic location: 17q21.31.
Variant type: single nucleotide variant.
Coding change: c.239G>T on transcript NM_007294.4 (MANE Select); coding-DNA position 239, G replaced by T.
Protein change: p.Ser80Ile; replaces serine 80 with isoleucine.
Molecular consequence: missense variant. On other transcripts: non-coding transcript variant (1).
Genome position (GRCh38, 1-based): chr17:43,104,930, C>A on the plus strand (G>T on the coding strand, the complement: BRCA1 is on the minus strand). VCF-style: chr17-43104930-C-A. GRCh37 (hg19) VCF-style: chr17-41256947-C-A.
Other names: c.29G>T, p.Ser10Ile (NM_001407571.1, NM_001407853.1, NM_001407879.1 and 58 more transcripts); c.239G>T, p.Ser80Ile (NM_001407581.1, NM_001407582.1, NM_001407583.1 and 168 more transcripts); c.161G>T, p.Ser54Ile (NM_001407653.1, NM_001407654.1, NM_001407655.1 and 21 more transcripts); c.98G>T, p.Ser33Ile (NM_001407692.1, NM_001407694.1, NM_001407695.1 and 99 more transcripts); c.-143G>T (NM_001407959.1, NM_001407960.1, NM_001407962.1 and 4 more transcripts); c.107G>T, p.Ser36Ile (NM_001408451.1); short protein forms S80I, S33I, S54I, S10I, S36I.
Identifiers: ClinVar variation 865594 (VCV000865594.3), dbSNP rs2054690270, ClinGen allele CA10601678.
Genomic context (GRCh38, chr17:43,104,930, plus strand): 5'-TCCAAACCTGTGTCAAGCTGAAAAGCACAAATGATTTTCAATAGCTCTTCAACAAGTTGA[C>A]TAAATCTCGTACTTTCTTGTAGGCTCCTGAAATTAAATTGTTTGAGAAACACACTCAGCA-3'
Protein context (NP_009225.1, residues 70-90): KRSLQESTRF[Ser80Ile]QLVEELLKII

Conditions:
Breast-ovarian cancer, familial, susceptibility to, 1 (BROVCA1). Also called: BRCA1 Hereditary Breast and Ovarian Cancer; OVARIAN CANCER, SUSCEPTIBILITY TO. Identifiers: Orphanet 145, MedGen C2676676, MONDO:0011450, OMIM 604370. Disease mechanism: loss of function.

Submission:

Brotman Baty Institute, University of Washington
No classification provided (evidence only). Condition: Breast-ovarian cancer, familial 1. Review status: no classification provided. Collection method: in vitro. Allele origin: not applicable. Functional consequence: functionally_abnormal.
ClinVar note: "not provided" was previously submitted as the classification for the variant. However, the classification appeared to be based only on an observation of functional data so it was converted to no classification on 2025-07-30.